The following is an entry in ClinVar:

ClinVar aggregate classification (germline): Uncertain significance (1 of 4 stars; one submission).

Conditions:
Holoprosencephaly 11 (HPE11). Identifiers: Orphanet 2162, MedGen C3280215, MONDO:0013642, OMIM 614226.

Allele frequency attached by ClinVar (database versions not stated): gnomAD exomes 0.00001; gnomAD 0.00002.
gnomAD v4.1: 12 of 1,613,940 alleles (0.00074%); highest among the groups gnomAD compares: Admixed American, 0.012%; no homozygotes.

Submission:

Labcorp Genetics (formerly Invitae), Labcorp
Classification: Uncertain significance for Holoprosencephaly 11. Last evaluated: 2025-03-17. Review status: criteria provided, single submitter. Criteria: Invitae Variant Classification Sherloc (09022015). Collection method: clinical testing. Allele origin: germline.
Comment: This sequence change replaces glycine, which is neutral and non-polar, with arginine, which is basic and polar, at codon 65 of the CDON protein (p.Gly65Arg). This variant is present in population databases (no rsID available, gnomAD 0.009%). This variant has not been reported in the literature in individuals affected with CDON-related conditions. ClinVar contains an entry for this variant (Variation ID: 2703464). An algorithm developed to predict the effect of missense changes on protein structure and function (PolyPhen-2) suggests that this variant is likely to be disruptive. In summary, the available evidence is currently insufficient to determine the role of this variant in disease. Therefore, it has been classified as a Variant of Uncertain Significance.

NM_001378964.1(CDON):c.193G>A (p.Gly65Arg)

Gene: CDON (cell adhesion associated, oncogene regulated; minus strand). Cytogenetic location: 11q24.2.
Variant type: single nucleotide variant.
Coding change: c.193G>A on transcript NM_001378964.1 (MANE Select); coding-DNA position 193, G replaced by A.
Protein change: p.Gly65Arg; replaces glycine 65 with arginine.
Molecular consequence: missense variant.
Genome position (GRCh38, 1-based): chr11:126,021,404, C>T on the plus strand (G>A on the coding strand, the complement: CDON is on the minus strand). VCF-style: chr11-126021404-C-T. GRCh37 (hg19) VCF-style: chr11-125891299-C-T.
Other names: c.193G>A, p.Gly65Arg (NM_001243597.3, NM_016952.6); short protein forms G65R.
Identifiers: ClinVar variation 2703464 (VCV002703464.3), dbSNP rs1012612060, ClinGen allele CA230556697.